The following is an entry in ClinVar:

ClinVar aggregate classification (germline): Uncertain significance (1 of 4 stars; one submission).

Conditions:
Inborn genetic diseases. Identifiers: MedGen C0950123, MeSH D030342.

Submission:

Ambry Genetics
Classification: Uncertain significance for Inborn genetic diseases. Last evaluated: 2025-11-15. Review status: criteria provided, single submitter. Criteria: Ambry Variant Classification Scheme 2023. Collection method: clinical testing. Allele origin: germline.
Comment: The p.S483C variant (also known as c.1447A>T), located in coding exon 10 of the WT1 gene, results from an A to T substitution at nucleotide position 1447. The serine at codon 483 is replaced by cysteine, an amino acid with dissimilar properties. This amino acid position is conserved. In addition, this alteration is predicted to be tolerated by in silico analysis. Based on the available evidence, the clinical significance of this variant remains unclear.

NM_024426.6(WT1):c.1462A>T (p.Ser488Cys)

Gene: WT1 (WT1 transcription factor; minus strand). Cytogenetic location: 11p13.
Variant type: single nucleotide variant.
Coding change: c.1462A>T on transcript NM_024426.6 (MANE Select); coding-DNA position 1462, A replaced by T.
Protein change: p.Ser488Cys; replaces serine 488 with cysteine.
Molecular consequence: missense variant. On other transcripts: non-coding transcript variant (2).
Genome position (GRCh38, 1-based): chr11:32,389,165, T>A on the plus strand (A>T on the coding strand, the complement: WT1 is on the minus strand). VCF-style: chr11-32389165-T-A. GRCh37 (hg19) VCF-style: chr11-32410711-T-A.
Other names: c.1402A>T, p.Ser468Cys (NM_000378.6); c.802A>T, p.Ser268Cys (NM_001198551.2); c.760A>T, p.Ser254Cys (NM_001198552.2); c.274A>T, p.Ser92Cys (NM_001367854.1); c.1447A>T, p.Ser483Cys (NM_001407044.1); c.1411A>T, p.Ser471Cys (NM_001407045.1); c.1369A>T, p.Ser457Cys (NM_001407046.1); c.1330A>T, p.Ser444Cys (NM_001407047.1); and 9 more; short protein forms S457C, S234C, S268C, S395C, S412C, S415C, S444C, S483C.
Identifiers: ClinVar variation 4634873 (VCV004634873.1).